The following is an entry in ClinVar:

NM_000081.4(LYST):c.5157T>C (p.Cys1719=)

Gene: LYST (lysosomal trafficking regulator; minus strand). Cytogenetic location: 1q42.3.
Variant type: single nucleotide variant.
Coding change: c.5157T>C on transcript NM_000081.4 (MANE Select); coding-DNA position 5157, T replaced by C.
Protein change: p.Cys1719=; no amino-acid change (cysteine 1719 retained).
Molecular consequence: synonymous variant.
Genome position (GRCh38, 1-based): chr1:235,780,922, A>G on the plus strand (T>C on the coding strand, the complement: LYST is on the minus strand). VCF-style: chr1-235780922-A-G. GRCh37 (hg19) VCF-style: chr1-235944222-A-G.
Other names: p.Cys1719=; c.5157T>C, p.Cys1719= (NM_001301365.1).
Identifiers: ClinVar variation 1121663 (VCV001121663.11), dbSNP rs376645618, ClinGen allele CA1466684.

ClinVar aggregate classification (germline): Likely benign. Review status: criteria provided, multiple submitters, no conflicts (2 of 4 stars). 4 submissions from 4 submitters: Likely benign (4). Last evaluated 2026-01-11.

Conditions:
Chédiak-Higashi syndrome (CHS). Also called: Chediak-Higashi Syndrome. Identifiers: Orphanet 167, MedGen C0007965, MONDO:0008963, OMIM 214500.

Allele frequency attached by ClinVar (database versions not stated): gnomAD exomes below 0.00001; ExAC 0.00003; gnomAD 0.00009; TOPMed 0.00012; ESP Exome Variant Server 0.00015.
gnomAD v4.1: 16 of 1,591,488 alleles (0.001%); highest among the groups gnomAD compares: African/African-American, 0.02%; no homozygotes.

Submissions (4):

Labcorp Genetics (formerly Invitae), Labcorp
Classification: Likely benign for Chédiak-Higashi syndrome. Last evaluated: 2026-01-11. Review status: criteria provided, single submitter. Criteria: Invitae Variant Classification Sherloc (09022015). Collection method: clinical testing. Allele origin: germline.

Mayo Clinic Laboratories, Mayo Clinic
Classification: Likely benign. Last evaluated: 2025-10-23. Review status: criteria provided, single submitter. Criteria: ACMG Guidelines, 2015. Collection method: clinical testing. Allele origin: germline. Observed: 1 variant allele.
Comment: BP4, BP7, PM2_supporting

Blueprint Genetics
Classification: Likely benign. Last evaluated: 2021-06-29. Review status: criteria provided, single submitter. Criteria: ACMG Guidelines, 2015. Collection method: clinical testing. Allele origin: germline.

Breakthrough Genomics
Classification: Likely benign. Review status: criteria provided, single submitter. Criteria: ACMG Guidelines, 2015. Collection method: not provided. Allele origin: germline. Inheritance: Autosomal recessive inheritance. Affected: yes.